The following is an entry in ClinVar:

ClinVar aggregate classification (germline): Benign/Likely benign. Review status: criteria provided, multiple submitters, no conflicts (2 of 4 stars). 11 submissions from 11 submitters: Benign (7); Likely benign (1). 3 of the submissions do not count toward it. Last evaluated 2026-02-04.

Conditions:
Niemann-Pick disease, type C1. Also called: NEUROVISCERAL STORAGE DISEASE WITH VERTICAL SUPRANUCLEAR OPHTHALMOPLEGIA; NIEMANN-PICK DISEASE WITH CHOLESTEROL ESTERIFICATION BLOCK; NIEMANN-PICK DISEASE WITHOUT SPHINGOMYELINASE DEFICIENCY; NIEMANN-PICK DISEASE, CHRONIC NEURONOPATHIC FORM; NIEMANN-PICK DISEASE, VARIANT TYPE C1. Identifiers: Orphanet 646, MedGen C3179455, MONDO:0009757, OMIM 257220.

Allele frequency attached by ClinVar (database versions not stated): 1000 Genomes Project 30x 0.00062; 1000 Genomes Project 0.00080; gnomAD 0.00327 and 0.00342; ExAC 0.00351; TOPMed 0.00361; gnomAD exomes 0.00362 and 0.00389; ESP Exome Variant Server 0.00369.
gnomAD v4.1: 6,215 of 1,613,234 alleles (0.39%); highest among the groups gnomAD compares: Middle Eastern, 0.52%; 23 homozygotes.

Submissions (11):

Labcorp Genetics (formerly Invitae), Labcorp
Classification: Benign for Niemann-Pick disease, type C1. Last evaluated: 2026-02-04. Review status: criteria provided, single submitter. Criteria: Invitae Variant Classification Sherloc (09022015). Collection method: clinical testing. Allele origin: germline.

Genomic Medicine Center of Excellence, King Faisal Specialist Hospital and Research Centre
Classification: Likely benign. Last evaluated: 2025-08-18. Review status: criteria provided, single submitter. Criteria: ACMG Guidelines, 2015. Collection method: clinical testing. Allele origin: germline.

Mayo Clinic Laboratories, Mayo Clinic
Classification: Benign. Last evaluated: 2024-09-11. Review status: criteria provided, single submitter. Criteria: ACMG Guidelines, 2015. Collection method: clinical testing. Allele origin: germline. Observed: 7 variant alleles.
Comment: BA1, BP4, BP7

Fulgent Genetics
Classification: Benign for Niemann-Pick disease, type C1. Last evaluated: 2021-09-09. Review status: criteria provided, single submitter. Criteria: ACMG Guidelines, 2015. Collection method: clinical testing. Allele origin: unknown.

Genome Diagnostics Laboratory, University Medical Center Utrecht
Classification: Benign for Niemann-Pick disease, type C1. Last evaluated: 2016-03-24. Review status: criteria provided, single submitter. Criteria: ACGS Guidelines, 2013. Collection method: clinical testing. Allele origin: germline. Affected: yes. Study: VKGL Data-share Consensus.

GeneDx
Classification: Benign. Last evaluated: 2015-03-03. Review status: criteria provided, single submitter. Criteria: GeneDx Variant Classification Process June 2021. Collection method: clinical testing. Allele origin: germline. Affected: yes.

Eurofins Ntd Llc (ga)
Classification: Benign. Last evaluated: 2014-08-14. Review status: criteria provided, single submitter. Criteria: EGL Classification Definitions 2015. Collection method: clinical testing. Allele origin: germline. Observed: 2 variant alleles, 2 heterozygotes.

Breakthrough Genomics
Classification: Benign. Review status: criteria provided, single submitter. Criteria: ACMG Guidelines, 2015. Collection method: not provided. Allele origin: germline. Inheritance: Autosomal recessive inheritance. Affected: yes.

Genome Diagnostics Laboratory, Amsterdam University Medical Center
Classification: Likely benign for Niemann-Pick disease, type C1. Last evaluated: 2017-02-20. Review status: no assertion criteria provided. Criteria: ACGS Guidelines, 2013. Collection method: clinical testing. Allele origin: germline. Affected: yes. Study: VKGL Data-share Consensus. Not counted in ClinVar's aggregate classification.

Clinical Genetics, Academic Medical Center
Classification: Benign. Review status: no assertion criteria provided. Collection method: clinical testing. Allele origin: germline. Affected: yes. Study: VKGL Data-share Consensus. Not counted in ClinVar's aggregate classification.

Diagnostic Laboratory, Department of Genetics, University Medical Center Groningen
Classification: Likely benign for Niemann-Pick disease, type C1. Review status: no assertion criteria provided. Collection method: clinical testing. Allele origin: germline. Affected: yes. Study: VKGL Data-share Consensus. Not counted in ClinVar's aggregate classification.

Literature cited by the submitters: PubMed 31277084 (cited by Mayo Clinic Laboratories, Mayo Clinic).

NM_000271.5(NPC1):c.2795+19T>C

Gene: NPC1 (NPC intracellular cholesterol transporter 1; minus strand). Cytogenetic location: 18q11.2.
Variant type: single nucleotide variant.
Coding change: c.2795+19T>C on transcript NM_000271.5 (MANE Select); 19 bases into the intron after coding-DNA position 2795, T replaced by C.
Molecular consequence: intron variant.
Genome position (GRCh38, 1-based): chr18:23,539,792, A>G on the plus strand (T>C on the coding strand, the complement: NPC1 is on the minus strand). VCF-style: chr18-23539792-A-G. GRCh37 (hg19) VCF-style: chr18-21119756-A-G.
Other names: p.?.
Identifiers: ClinVar variation 194809 (VCV000194809.21), dbSNP rs200103695, ClinGen allele CA201369.